The following is an entry in ClinVar:

NM_001191057.4(PDE1C):c.1495A>G (p.Ile499Val)

Gene: PDE1C (phosphodiesterase 1C; minus strand). Cytogenetic location: 7p14.3.
Variant type: single nucleotide variant.
Coding change: c.1495A>G on transcript NM_001191057.4 (MANE Select); coding-DNA position 1495, A replaced by G.
Protein change: p.Ile499Val; replaces isoleucine 499 with valine.
Molecular consequence: missense variant.
Genome position (GRCh38, 1-based): chr7:31,823,160, T>C on the plus strand (A>G on the coding strand, the complement: PDE1C is on the minus strand). VCF-style: chr7-31823160-T-C. GRCh37 (hg19) VCF-style: chr7-31862774-T-C.
Other names: c.1495A>G, p.Ile499Val (NM_001191056.3, NM_001191059.4, NM_001322055.2 and 3 more transcripts); c.1675A>G, p.Ile559Val (NM_001191058.4, NM_001322058.2); c.1900A>G, p.Ile634Val (NM_001322059.2); short protein forms I499V, I559V, I634V.
Identifiers: ClinVar variation 3056498 (VCV003056498.2), dbSNP rs544154041, ClinGen allele CA4210903.
Genomic context (GRCh38, chr7:31,823,160, plus strand): 5'-CCCGATTGATGTGCACCACTTCCGTCCAAGTAGCTTTAAAGCTCTTATAGTCAACGGAGA[T>C]GACAGAATTGTTGATCGGGGCACTTCCCTCTGAACCAGAGGTCTTGACACCTGATCGCTT-3'
Protein context (NP_001177986.1, residues 489-509): EGSAPINNSV[Ile499Val]SVDYKSFKAT

ClinVar aggregate classification (germline): Likely benign (0 of 4 stars; one submission).

Conditions:
PDE1C-related disorder. Also called: PDE1C-related condition.

Allele frequency attached by ClinVar (database versions not stated): gnomAD 0.00008; gnomAD exomes 0.00010; TOPMed 0.00019; ExAC 0.00040.
gnomAD v4.1: 148 of 1,613,316 alleles (0.0092%); highest among the groups gnomAD compares: Admixed American, 0.24%; no homozygotes.

Submission:

PreventionGenetics, part of Exact Sciences
Classification: Likely benign for PDE1C-related condition. Last evaluated: 2019-10-01. Review status: no assertion criteria provided. Collection method: clinical testing. Allele origin: germline.
Comment: This variant is classified as likely benign based on ACMG/AMP sequence variant interpretation guidelines (Richards et al. 2015 PMID: 25741868, with internal and published modifications).